The following is an entry in ClinVar:

NM_000059.4(BRCA2):c.4504C>G (p.Gln1502Glu)

Gene: BRCA2 (BRCA2 DNA repair associated; plus strand). Cytogenetic location: 13q13.1.
Variant type: single nucleotide variant.
Coding change: c.4504C>G on transcript NM_000059.4 (MANE Select); coding-DNA position 4504, C replaced by G.
Protein change: p.Gln1502Glu; replaces glutamine 1502 with glutamic acid.
Molecular consequence: missense variant.
Genome position (GRCh38, 1-based): chr13:32,338,859, C>G. VCF-style: chr13-32338859-C-G. GRCh37 (hg19) VCF-style: chr13-32912996-C-G.
Other names: short protein forms Q1502E.
Identifiers: ClinVar variation 409486 (VCV000409486.17), dbSNP rs1060502425, ClinGen allele CA16613885.

ClinVar aggregate classification (germline): Conflicting classifications of pathogenicity. Review status: criteria provided, conflicting classifications (1 of 4 stars). 4 submissions from 4 submitters: Uncertain significance (2); Likely benign (2). Last evaluated 2025-12-06.

Conditions:
Hereditary breast ovarian cancer syndrome. Also called: Hereditary breast and ovarian cancer; Hereditary breast and/or ovarian cancer syndrome; BRCA1- and BRCA2-Associated Hereditary Breast and Ovarian Cancer; Hereditary breast and ovarian cancer syndrome; Hereditary breast and ovarian cancer syndrome (HBOC); Breast and ovarian cancer. Identifiers: Orphanet 145, MedGen C0677776, MeSH D061325, MONDO:0003582. Disease mechanism: loss of function.
Hereditary cancer-predisposing syndrome. Also called: Tumor predisposition; Hereditary Cancer Syndrome; Hereditary neoplastic syndrome; Neoplastic Syndromes, Hereditary. Identifiers: Orphanet 140162, MedGen C0027672, MeSH D009386, MONDO:0015356.

gnomAD v4.1: 1 of 1,613,864 alleles (0.000062%); highest among the groups gnomAD compares: Non-Finnish European, 0.000085%; no homozygotes.

Submissions (4):

Labcorp Genetics (formerly Invitae), Labcorp
Classification: Uncertain significance for Hereditary breast ovarian cancer syndrome. Last evaluated: 2025-12-06. Review status: criteria provided, single submitter. Criteria: Invitae Variant Classification Sherloc (09022015). Collection method: clinical testing. Allele origin: germline.
Comment: This sequence change replaces glutamine, which is neutral and polar, with glutamic acid, which is acidic and polar, at codon 1502 of the BRCA2 protein (p.Gln1502Glu). This variant is not present in population databases (gnomAD no frequency). This missense change has been observed in individual(s) with breast and/or colon cancer (PMID: 30093976). ClinVar contains an entry for this variant (Variation ID: 409486). Invitae Evidence Modeling of protein sequence and biophysical properties (such as structural, functional, and spatial information, amino acid conservation, physicochemical variation, residue mobility, and thermodynamic stability) indicates that this missense variant is not expected to disrupt BRCA2 protein function with a negative predictive value of 95%. In summary, the available evidence is currently insufficient to determine the role of this variant in disease. Therefore, it has been classified as a Variant of Uncertain Significance.

Ambry Genetics
Classification: Likely benign for Hereditary cancer-predisposing syndrome. Last evaluated: 2025-01-21. Review status: criteria provided, single submitter. Criteria: Ambry Variant Classification Scheme 2023. Collection method: clinical testing. Allele origin: germline.

University of Washington Department of Laboratory Medicine, University of Washington
Classification: Likely benign for Hereditary cancer-predisposing syndrome. Last evaluated: 2023-03-23. Review status: criteria provided, single submitter. Criteria: Dines et al. (Genet Med. 2020). Collection method: curation. Allele origin: germline.
Comment: Missense variant in a coldspot region where missense variants are very unlikely to be pathogenic (PMID:31911673).

BRCA2 exon 11 coldspot. Reclassification based on statistical prior probability.

Quest Diagnostics Nichols Institute San Juan Capistrano
Classification: Uncertain significance. Last evaluated: 2019-04-21. Review status: criteria provided, single submitter. Criteria: Quest Diagnostics criteria. Collection method: clinical testing. Allele origin: germline.

Literature cited by the submitters: PubMed 30093976 (cited by Labcorp Genetics (formerly Invitae), Labcorp and Ambry Genetics).